The following is an entry in ClinVar:

ClinVar aggregate classification (germline): Uncertain significance. Review status: criteria provided, multiple submitters, no conflicts (2 of 4 stars). 2 submissions from 2 submitters: Uncertain significance (2). Last evaluated 2024-11-19.

Conditions:
Saldino-Mainzer syndrome (SRTD9). Also called: CONORENAL SYNDROME; SHORT-RIB THORACIC DYSPLASIA 9 WITHOUT POLYDACTYLY; short-rib thoracic dysplasia 9 with or without polydactyly; Renal dysplasia, retinal pigmentary dystrophy, cerebellar ataxia and skeletal dysplasia. Identifiers: Orphanet 140969, MedGen C1849437, MONDO:0009964, OMIM 266920.
Retinitis pigmentosa 80 (RP80). Identifiers: MedGen C4540439, MONDO:0054708, OMIM 617781.

Allele frequency attached by ClinVar (database versions not stated): gnomAD exomes below 0.00001; ExAC 0.00001; gnomAD 0.00001.
gnomAD v4.1: 4 of 1,612,278 alleles (0.00025%); highest among the groups gnomAD compares: Non-Finnish European, 0.00034%; no homozygotes.

Submissions (2):

Labcorp Genetics (formerly Invitae), Labcorp
Classification: Uncertain significance for Saldino-Mainzer syndrome. Last evaluated: 2024-11-19. Review status: criteria provided, single submitter. Criteria: Invitae Variant Classification Sherloc (09022015). Collection method: clinical testing. Allele origin: germline.
Comment: This sequence change replaces phenylalanine, which is neutral and non-polar, with leucine, which is neutral and non-polar, at codon 480 of the IFT140 protein (p.Phe480Leu). This variant is present in population databases (rs770727161, gnomAD 0.0009%). This variant has not been reported in the literature in individuals affected with IFT140-related conditions. ClinVar contains an entry for this variant (Variation ID: 970225). Invitae Evidence Modeling of protein sequence and biophysical properties (such as structural, functional, and spatial information, amino acid conservation, physicochemical variation, residue mobility, and thermodynamic stability) has been performed for this missense variant. However, the output from this modeling did not meet the statistical confidence thresholds required to predict the impact of this variant on IFT140 protein function. In summary, the available evidence is currently insufficient to determine the role of this variant in disease. Therefore, it has been classified as a Variant of Uncertain Significance.

Fulgent Genetics
Classification: Uncertain significance for Saldino-Mainzer syndrome; Retinitis pigmentosa 80. Last evaluated: 2022-04-12. Review status: criteria provided, single submitter. Criteria: ACMG Guidelines, 2015. Collection method: clinical testing. Allele origin: unknown.

NM_014714.4(IFT140):c.1440C>G (p.Phe480Leu)

Genes: IFT140 (intraflagellar transport 140; minus strand), LOC105371046 (uncharacterized LOC105371046; plus strand). Cytogenetic location: 16p13.3.
Variant type: single nucleotide variant.
Coding change: c.1440C>G on transcript NM_014714.4 (MANE Select); coding-DNA position 1440, C replaced by G.
Protein change: p.Phe480Leu; replaces phenylalanine 480 with leucine.
Molecular consequence: missense variant.
Genome position (GRCh38, 1-based): chr16:1,580,843, G>C on the plus strand (C>G on the coding strand, the complement: IFT140 is on the minus strand). VCF-style: chr16-1580843-G-C. GRCh37 (hg19) VCF-style: chr16-1630844-G-C.
Other names: short protein forms F480L.
Identifiers: ClinVar variation 970225 (VCV000970225.10), dbSNP rs770727161, ClinGen allele CA7814281.